The following is an entry in ClinVar:

ClinVar aggregate classification (germline): Pathogenic (1 of 4 stars; one submission).

Conditions:
Hereditary diffuse gastric adenocarcinoma (HDGC). Also called: DIFFUSE GASTRIC AND LOBULAR BREAST CANCER SYNDROME. Identifiers: Orphanet 26106, MedGen C1708349, MONDO:0007648, OMIM 137215.

Submission:

Labcorp Genetics (formerly Invitae), Labcorp
Classification: Pathogenic for Hereditary diffuse gastric adenocarcinoma. Last evaluated: 2016-11-18. Review status: criteria provided, single submitter. Criteria: Invitae Variant Classification Sherloc (09022015). Collection method: clinical testing. Allele origin: germline.
Comment: This variant is a gross deletion of the genomic region encompassing exons 4-16 of the CDH1 gene. The 5' boundary is likely confined to intron 3. The 3' end of this event is unknown as it extends through the termination codon beyond the assayed region for this gene and may encompass additional genes. While this deletion is not anticipated to result in nonsense mediated decay, it is expected to result in the loss of approximately 85% of the CDH1 coding sequencere. While this particular deletion has not been reported in the literature, smaller gross deletions including the last exon in CDH1 have been reported in individuals with hereditary diffuse gastric cancer: a deletion of exons 7-16 (PMID: 24037103), a deletion of exons 14-16 (PMID: 19168852), and a deletion of exon 16 (PMID: 19168852). This gross deletion is expected to result in the loss of multiple functional domains of the CDH1 protein (PMID: 20233471). For these reasons, this variant has been classified as Pathogenic.

NM_004360.3(CDH1):c.388-?_*2042+?del

Gene: CDH1 (cadherin 1; plus strand). Cytogenetic location: 16q22.1.
Variant type: Deletion.
Coding change: c.388-?_*2042+?del on transcript NM_004360.3.
Other names: c.388-?_*2042+?del (LRG_301t1).
Identifiers: ClinVar variation 220603 (VCV000220603.1).